The following is an entry in ClinVar:

NM_012338.4(TSPAN12):c.426A>G (p.Arg142=)

Gene: TSPAN12 (tetraspanin 12; minus strand). Cytogenetic location: 7q31.31.
Variant type: single nucleotide variant.
Coding change: c.426A>G on transcript NM_012338.4 (MANE Select); coding-DNA position 426, A replaced by G.
Protein change: p.Arg142=; no amino-acid change (arginine 142 retained).
Molecular consequence: synonymous variant.
Genome position (GRCh38, 1-based): chr7:120,810,505, T>C on the plus strand (A>G on the coding strand, the complement: TSPAN12 is on the minus strand). VCF-style: chr7-120810505-T-C. GRCh37 (hg19) VCF-style: chr7-120450559-T-C.
Other names: c.426A>G (NM_012338.3).
Identifiers: ClinVar variation 2154032 (VCV002154032.5), dbSNP rs1045868025, ClinGen allele CA165837051.
Genomic context (GRCh38, chr7:120,810,505, plus strand): 5'-AGAAATTGTAGCACTTACCTCTCTCTGAAAAAAATTCCAAGCATGAGTAAGCCACCGATA[T>C]CTAGGTAATCCATAATTTGTCATCCTGGCTTTCAAAGTGACCATATCTGACCATTGTACT-3'
Protein context (NP_036470.1, residues 132-152): KARMTNYGLP[Arg142=]YRWLTHAWNF

ClinVar aggregate classification (germline): Likely benign. Review status: criteria provided, multiple submitters, no conflicts (2 of 4 stars). 2 submissions from 2 submitters: Likely benign (2). Last evaluated 2026-07-08.

Conditions:
TSPAN12-related disorder. Also called: TSPAN12-related condition.

Allele frequency attached by ClinVar (database versions not stated): gnomAD exomes below 0.00001; TOPMed below 0.00001.
gnomAD v4.1: 6 of 1,613,922 alleles (0.00037%); highest among the groups gnomAD compares: Admixed American, 0.0017%; no homozygotes.

Submissions (2):

PreventionGenetics, part of Exact Sciences
Classification: Likely benign for TSPAN12-related condition. Last evaluated: 2026-07-08. Review status: criteria provided, single submitter. Criteria: ACMG Guidelines, 2015. Collection method: clinical testing. Allele origin: germline.
Comment: This variant is classified as likely benign based on ACMG/AMP sequence variant interpretation guidelines (Richards et al. 2015 PMID: 25741868, with internal and published modifications).

Labcorp Genetics (formerly Invitae), Labcorp
Classification: Likely benign. Last evaluated: 2025-07-08. Review status: criteria provided, single submitter. Criteria: Invitae Variant Classification Sherloc (09022015). Collection method: clinical testing. Allele origin: germline.